The following is an entry in ClinVar:

NM_000037.4(ANK1):c.1603-3C>A

Gene: ANK1 (ankyrin 1; minus strand). Cytogenetic location: 8p11.21.
Variant type: single nucleotide variant.
Coding change: c.1603-3C>A on transcript NM_000037.4 (MANE Select); 3 bases into the intron before coding-DNA position 1603, C replaced by A.
Molecular consequence: intron variant.
Genome position (GRCh38, 1-based): chr8:41,715,077, G>T on the plus strand (C>A on the coding strand, the complement: ANK1 is on the minus strand). VCF-style: chr8-41715077-G-T. GRCh37 (hg19) VCF-style: chr8-41572595-G-T.
Other names: c.1702-3C>A (NM_001142446.2); c.1603-3C>A (NM_020477.3, NM_020475.3, NM_020476.3).
Identifiers: ClinVar variation 3340429 (VCV003340429.1).

ClinVar aggregate classification (germline): Uncertain significance (1 of 4 stars; one submission).

Conditions:
Hereditary spherocytosis type 1. Also called: Spherocytosis type 1; ANK1-Related Spherocytosis. Identifiers: Orphanet 822, MedGen C2674218, MONDO:0008447, OMIM 182900.

Submission:

MVZ Dr. Eberhard & Partner Dortmund
Classification: Uncertain significance for Hereditary spherocytosis type 1. Last evaluated: 2024-09-11. Review status: criteria provided, single submitter. Criteria: ACMG Guidelines, 2015. Collection method: clinical testing. Allele origin: unknown. Affected: yes. Observed: 1 heterozygote.
Comment: According to our research, the intronic variant c.1603-3C>A in ANK1 has not yet been described in the literature and is not found in control groups of different ethnicities. Some of the computer-based splicing analyses performed indicated an impairment of the constitutional splice acceptor site, so abnormal splicing cannot be excluded. A conclusive evaluation of the alteration c.1603-3C>A in ANK1 with regard to HS is not possible based on the current data situation, so that we currently consider the alteration c.1603-3C>A to be a variant with uncertain siginificance.